The following is an entry in ClinVar:

ClinVar aggregate classification (germline): Conflicting classifications of pathogenicity. Review status: criteria provided, conflicting classifications (1 of 4 stars). 6 submissions from 5 submitters: Uncertain significance (5); Likely benign (1). Last evaluated 2026-01-27.

Conditions:
Cardiovascular phenotype. Identifiers: MedGen CN230736.
Hereditary cancer-predisposing syndrome. Also called: Hereditary Cancer Syndrome; Neoplastic Syndromes, Hereditary; Tumor predisposition; Hereditary neoplastic syndrome. Identifiers: Orphanet 140162, MedGen C0027672, MeSH D009386, MONDO:0015356.
Neurofibromatosis, type 1 (NF1). Also called: Neurofibromatosis, type I; VON RECKLINGHAUSEN DISEASE; NEUROFIBROMATOSIS, TYPE I, SOMATIC; Peripheral type neurofibromatosis. Identifiers: Orphanet 636, MedGen C0027831, MONDO:0018975, OMIM 162200. Disease mechanism: loss of function.

Allele frequency attached by ClinVar (database versions not stated): TOPMed below 0.00001.
gnomAD v4.1: 3 of 1,613,964 alleles (0.00019%); highest among the groups gnomAD compares: East Asian, 0.0022%; no homozygotes.

Submissions (6):

Labcorp Genetics (formerly Invitae), Labcorp
Classification: Likely benign for Neurofibromatosis, type 1. Last evaluated: 2026-01-27. Review status: criteria provided, single submitter. Criteria: Invitae Variant Classification Sherloc (09022015). Collection method: clinical testing. Allele origin: germline.

Quest Diagnostics Nichols Institute San Juan Capistrano
Classification: Uncertain significance. Last evaluated: 2024-07-24. Review status: criteria provided, single submitter. Criteria: Quest Diagnostics criteria. Collection method: clinical testing. Allele origin: unknown.

Genome-Nilou Lab
Classification: Uncertain significance for Neurofibromatosis, type 1. Last evaluated: 2022-03-15. Review status: criteria provided, single submitter. Criteria: ACMG Guidelines, 2015. Collection method: clinical testing. Allele origin: germline. Affected: no.

Ambry Genetics
Classification: Uncertain significance for Cardiovascular phenotype; Hereditary cancer-predisposing syndrome. Last evaluated: 2021-09-03. Review status: criteria provided, single submitter. Criteria: Ambry Variant Classification Scheme 2023. Collection method: clinical testing. Allele origin: germline.

GeneDx
Classification: Uncertain significance. Last evaluated: 2018-01-09. Review status: criteria provided, single submitter. Criteria: GeneDx Variant Classification (06012015). Collection method: clinical testing. Allele origin: germline. Affected: yes.
Comment: This variant is denoted NF1 c.467G>T at the cDNA level, p.Arg156Leu (R156L) at the protein level, and results in the change of an Arginine to a Leucine (CGC>CTC). This variant has not, to our knowledge, been published in the literature as pathogenic or benign. NF1 Arg156Leu was observed at an allele frequency of 0.0032% (1/30,780) in individuals of South Asian ancestry in large population cohorts (Lek 2016). This variant is not located in a known functional domain. In-silico analysis, which includes protein predictors and evolutionary conservation, supports a deleterious effect. Based on currently available evidence, it is unclear whether NF1 Arg156Leu is a pathogenic or benign variant. We consider it to be a variant of uncertain significance.

Ambry Genetics
Classification: Uncertain significance for Hereditary cancer-predisposing syndrome. Last evaluated: 2015-07-16. Review status: criteria provided, single submitter. Criteria: Ambry Autosomal Dominant and X-Linked criteria (10/2015). Collection method: clinical testing. Allele origin: germline. Observed: 1 variant allele.
Comment: The p.R156L variant (also known as c.467G>T), located in coding exon 4 of the NF1 gene, results from a G to T substitution at nucleotide position 467. The arginine at codon 156 is replaced by leucine, an amino acid with dissimilar properties. This variant was not reported in population based cohorts in the following databases: Database of Single Nucleotide Polymorphisms (dbSNP), NHLBI Exome Sequencing Project (ESP), and 1000 Genomes Project. In the ESP, this variant was not observed in 6503 samples (13006 alleles) with coverage at this position. To date, this alteration has been detected with an allele frequency of approximately 0.002% (greater than 55000alleles tested) in our clinical cohort.This amino acid position is highly conserved in available vertebrate species. In addition, this alteration is predicted to be deleterious by in silico analysis.Since supporting evidence is limited at this time, the clinical significance of p.R156Lremains unclear.

NM_001042492.3(NF1):c.467G>T (p.Arg156Leu)

Gene: NF1 (neurofibromin 1; plus strand). Cytogenetic location: 17q11.2.
Variant type: single nucleotide variant.
Coding change: c.467G>T on transcript NM_001042492.3 (MANE Select); coding-DNA position 467, G replaced by T.
Protein change: p.Arg156Leu; replaces arginine 156 with leucine.
Molecular consequence: missense variant.
Genome position (GRCh38, 1-based): chr17:31,163,364, G>T. VCF-style: chr17-31163364-G-T. GRCh37 (hg19) VCF-style: chr17-29490382-G-T.
Other names: c.467G>T, p.Arg156Leu (NM_000267.4, NM_001128147.3); short protein forms R156L.
Identifiers: ClinVar variation 232959 (VCV000232959.13), dbSNP rs754096545, ClinGen allele CA8485542.